The following is an entry in ClinVar:

NM_000186.4(CFH):c.1111C>A (p.His371Asn)

Gene: CFH (complement factor H; plus strand). Cytogenetic location: 1q31.3.
Variant type: single nucleotide variant.
Coding change: c.1111C>A on transcript NM_000186.4 (MANE Select); coding-DNA position 1111, C replaced by A.
Protein change: p.His371Asn; replaces histidine 371 with asparagine.
Molecular consequence: missense variant.
Genome position (GRCh38, 1-based): chr1:196,689,566, C>A. VCF-style: chr1-196689566-C-A. GRCh37 (hg19) VCF-style: chr1-196658696-C-A.
Other names: c.1111C>A, p.His371Asn (NM_001014975.3); short protein forms H371N.
Identifiers: ClinVar variation 1162889 (VCV001162889.15), dbSNP rs145650378, ClinGen allele CA1305240.

ClinVar aggregate classification (germline): Uncertain significance. Review status: criteria provided, multiple submitters, no conflicts (2 of 4 stars). 7 submissions from 4 submitters: Uncertain significance (7). Last evaluated 2026-01-06.

Conditions:
Atypical hemolytic-uremic syndrome. Identifiers: Orphanet 2134, MedGen C2931788, MONDO:0016244.
Hemolytic uremic syndrome, atypical, susceptibility to, 1. Also called: AHUS, SUSCEPTIBILITY TO, 1. Identifiers: Orphanet 2134, Orphanet 90038, MedGen C2749604, MONDO:0009335, OMIM 235400. Disease mechanism: Other.
Age related macular degeneration 4. Identifiers: MedGen C1853147, MONDO:0012540, OMIM 610698.
Basal laminar drusen. Also called: DRUSEN OF BRUCH MEMBRANE; DRUSEN, CUTICULAR; DRUSEN, EARLY ADULT-ONSET, GROUPED. Identifiers: Orphanet 75376, MedGen C0730295, MONDO:0007472, OMIM 126700.
Factor H deficiency (CFHD). Also called: CFH DEFICIENCY; COMPLEMENT FACTOR H DEFICIENCY. Identifiers: Orphanet 200421, MedGen C0398777, MONDO:0012350, OMIM 609814.

Allele frequency attached by ClinVar (database versions not stated): gnomAD exomes 0.00003 and 0.00007; ExAC 0.00007; gnomAD 0.00034 and 0.00036; TOPMed 0.00039; ESP Exome Variant Server 0.00062.
gnomAD v4.1: 102 of 1,613,512 alleles (0.0063%); highest among the groups gnomAD compares: African/African-American, 0.12%; no homozygotes.

Submissions (7):

Labcorp Genetics (formerly Invitae), Labcorp
Classification: Uncertain significance. Last evaluated: 2026-01-06. Review status: criteria provided, single submitter. Criteria: Invitae Variant Classification Sherloc (09022015). Collection method: clinical testing. Allele origin: germline.
Comment: This sequence change replaces histidine, which is basic and polar, with asparagine, which is neutral and polar, at codon 371 of the CFH protein (p.His371Asn). This variant is present in population databases (rs145650378, gnomAD 0.07%). This variant has not been reported in the literature in individuals affected with CFH-related conditions. ClinVar contains an entry for this variant (Variation ID: 1162889). An algorithm developed to predict the effect of missense changes on protein structure and function (PolyPhen-2) suggests that this variant is likely to be tolerated. In summary, the available evidence is currently insufficient to determine the role of this variant in disease. Therefore, it has been classified as a Variant of Uncertain Significance.

Genomenon, Inc
Classification: Uncertain significance for Atypical hemolytic-uremic syndrome. Last evaluated: 2025-10-02. Review status: criteria provided, single submitter. Criteria: Genomenon Sequence Variant Interpretation Standards - Updated. Collection method: curation. Allele origin: germline. Affected: yes.
Comment: CFH p.His371Asn (c.1111C>A) is a missense variant that changes the amino acid at residue 371 from Histidine to Asparagine. This variant has been observed in at least one proband affected with atypical hemolytic-uremic syndrome (PMID:33387344). In silico models agree that this variant is not damaging. In conclusion, we classify CFH p.His371Asn (c.1111C>A) as a variant of uncertain significance.

Genome-Nilou Lab
Classification: Uncertain significance for Hemolytic uremic syndrome, atypical, susceptibility to, 1. Last evaluated: 2023-04-11. Review status: criteria provided, single submitter. Criteria: ACMG Guidelines, 2015. Collection method: clinical testing. Allele origin: germline. Affected: no.

Genome-Nilou Lab
Classification: Uncertain significance for Age related macular degeneration 4. Last evaluated: 2023-04-11. Review status: criteria provided, single submitter. Criteria: ACMG Guidelines, 2015. Collection method: clinical testing. Allele origin: germline. Affected: no.

Genome-Nilou Lab
Classification: Uncertain significance for Basal laminar drusen. Last evaluated: 2023-04-11. Review status: criteria provided, single submitter. Criteria: ACMG Guidelines, 2015. Collection method: clinical testing. Allele origin: germline. Affected: no.

Genome-Nilou Lab
Classification: Uncertain significance for Factor H deficiency. Last evaluated: 2023-04-11. Review status: criteria provided, single submitter. Criteria: ACMG Guidelines, 2015. Collection method: clinical testing. Allele origin: germline. Affected: no.

Mayo Clinic Laboratories, Mayo Clinic
Classification: Uncertain significance. Last evaluated: 2022-02-10. Review status: criteria provided, single submitter. Criteria: ACMG Guidelines, 2015. Collection method: clinical testing. Allele origin: germline. Observed: 3 variant alleles.
Comment: BP4

Literature cited by the submitters: PubMed 33387344 (cited by Genomenon, Inc).